The following is an entry in ClinVar:

ClinVar aggregate classification (germline): Likely pathogenic (1 of 4 stars; one submission).

Allele frequency attached by ClinVar (database versions not stated): gnomAD exomes below 0.00001.
gnomAD v4.1: 2 of 1,612,818 alleles (0.00012%); highest among the groups gnomAD compares: Non-Finnish European, 0.000085%; no homozygotes.

Submission:

Labcorp Genetics (formerly Invitae), Labcorp
Classification: Likely pathogenic. Last evaluated: 2025-04-30. Review status: criteria provided, single submitter. Criteria: Invitae Variant Classification Sherloc (09022015). Collection method: clinical testing. Allele origin: germline.
Comment: This sequence change affects a donor splice site in intron 1 of the ATF6 gene. It is expected to disrupt RNA splicing. Variants that disrupt the donor or acceptor splice site typically lead to a loss of protein function (PMID: 16199547), and loss-of-function variants in ATF6 are known to be pathogenic (PMID: 26029869, 26063662, 26070061). This variant is not present in population databases (gnomAD no frequency). Disruption of this splice site has been observed in individual(s) with clinical features of achromatopsia (internal data). ClinVar contains an entry for this variant (Variation ID: 1500917). Algorithms developed to predict the effect of sequence changes on RNA splicing suggest that this variant may disrupt the consensus splice site. In summary, the currently available evidence indicates that the variant is pathogenic, but additional data are needed to prove that conclusively. Therefore, this variant has been classified as Likely Pathogenic.

Literature cited by the submitters: PubMed 16199547; PubMed 26029869; PubMed 26063662; PubMed 26070061.

NM_007348.4(ATF6):c.82+1G>T

Gene: ATF6 (activating transcription factor 6; plus strand). Cytogenetic location: 1q23.3.
Variant type: single nucleotide variant.
Coding change: c.82+1G>T on transcript NM_007348.4 (MANE Select); the canonical splice donor site of the intron after coding-DNA position 82, G replaced by T.
Molecular consequence: splice donor variant.
Genome position (GRCh38, 1-based): chr1:161,766,443, G>T. VCF-style: chr1-161766443-G-T. GRCh37 (hg19) VCF-style: chr1-161736233-G-T.
Other names: c.82+1G>T (NM_001410890.1).
Identifiers: ClinVar variation 1500917 (VCV001500917.8), dbSNP rs2101705947, ClinGen allele CA343381204.